The following is an entry in ClinVar:

NC_000015.9:g.(?_72637767)_(72639071_?)del

Gene: HEXA (hexosaminidase subunit alpha; minus strand). Cytogenetic location: 15q23.
Variant type: Deletion.
Identifiers: ClinVar variation 1067962 (VCV001067962.1).

ClinVar aggregate classification (germline): Likely pathogenic (1 of 4 stars; one submission).

Conditions:
Tay-Sachs disease (TSD). Also called: HEXA DEFICIENCY; HEXA Disorders; GM2 gangliosidosis, type 1; Hexosaminidase alpha-subunit deficiency (variant B); Sphingolipidosis, Tay-Sachs; Hexosaminidase A Deficiency. Identifiers: Orphanet 845, MedGen C0039373, MONDO:0010100, OMIM 272800.

Submission:

Labcorp Genetics (formerly Invitae), Labcorp
Classification: Likely pathogenic for Tay-Sachs disease. Last evaluated: 2016-11-30. Review status: criteria provided, single submitter. Criteria: Invitae Variant Classification Sherloc (09022015). Collection method: clinical testing. Allele origin: germline.
Comment: This variant is a gross deletion of the genomic region encompassing exons 11-13 of the HEXA gene. Additionally, this creates a premature translational stop signal in the last exon of the HEXA mRNA. While this is not anticipated to result in nonsense mediated decay, it is expected to replace the last 146 amino acids of the HEXA protein by 13 unrelated ones. This deletion results in the loss of most of domain II of the HEXA protein that is required for dimerization of the HEXA protein and the conformation of its active site and includes many pathogenic variants (PMID: 7837766,16088929,18490185). In summary, this sequence change is a gross deletion that is expected to result in a nonfunctional HEXA protein. However, experimental studies have not been done to prove that conclusively. For these reasons, it has been classified as Likely Pathogenic.

Literature cited by the submitters: PubMed 7837766; PubMed 16088929; PubMed 18490185.